The following is an entry in ClinVar:

NM_006915.3(RP2):c.80_81insAA (p.Tyr27Ter)

Gene: RP2 (RP2 activator of ARL3 GTPase; plus strand). Cytogenetic location: Xp11.3.
Variant type: Insertion.
Coding change: c.80_81insAA on transcript NM_006915.3 (MANE Select); coding-DNA positions 80 to 81, AA inserted.
Protein change: p.Tyr27Ter; replaces tyrosine 27 with a stop codon.
Molecular consequence: nonsense.
Genome position: GRCh38 VCF-style: chrX-46837179-T-TAA. GRCh37 (hg19) VCF-style: chrX-46696614-T-TAA.
Other names: short protein forms Y27*.
Identifiers: ClinVar variation 2111482 (VCV002111482.4), dbSNP rs2519902152, ClinGen allele CA2580100999.

ClinVar aggregate classification (germline): Pathogenic (1 of 4 stars; one submission).

Submission:

Labcorp Genetics (formerly Invitae), Labcorp
Classification: Pathogenic. Last evaluated: 2025-03-17. Review status: criteria provided, single submitter. Criteria: Invitae Variant Classification Sherloc (09022015). Collection method: clinical testing. Allele origin: germline.
Comment: This sequence change creates a premature translational stop signal (p.Tyr27*) in the RP2 gene. It is expected to result in an absent or disrupted protein product. Loss-of-function variants in RP2 are known to be pathogenic (PMID: 11992260, 20625056). This variant is not present in population databases (gnomAD no frequency). This premature translational stop signal has been observed in individual(s) with retinitis pigmentosa (PMID: 11992260). ClinVar contains an entry for this variant (Variation ID: 2111482). For these reasons, this variant has been classified as Pathogenic.

Literature cited by the submitters: PubMed 11992260; PubMed 20625056.